The following is an entry in ClinVar:

NM_001267550.2(TTN):c.76807dup (p.Ser25603fs)

Genes: TTN (titin; minus strand), TTN-AS1 (TTN antisense RNA 1; plus strand). Cytogenetic location: 2q31.2.
Variant type: Duplication.
Coding change: c.76807dup on transcript NM_001267550.2 (MANE Select); coding-DNA position 76807, one base duplicated (A; older notation c.76807dupA).
Protein change: p.Ser25603fs; shifts the reading frame from serine 25603.
Molecular consequence: frameshift variant.
Genome position (GRCh38, 1-based): chr2:178,569,325, T duplicated on the plus strand (A on the coding strand, the reverse complement: TTN is on the minus strand); the first of 2 consecutive T bases (chr2:178,569,325-178,569,326); duplicating either gives the same sequence. VCF-style (leftmost placement, unchanged base first): chr2-178569324-C-CT. GRCh37 (hg19) VCF-style: chr2-179434051-C-CT.
Other names: c.71884dup, p.Ser23962fs (NM_001256850.1); c.49612dup, p.Ser16538fs (NM_003319.4); c.69103dup, p.Ser23035fs (NM_133378.4); c.49987dup, p.Ser16663fs (NM_133432.3); c.50188dup, p.Ser16730fs (NM_133437.4); short protein forms S16730fs, S16663fs, S23035fs, S16538fs, S23962fs, S25603fs.
Identifiers: ClinVar variation 1509096 (VCV001509096.6), dbSNP rs2154167705, ClinGen allele CA2573133032.

ClinVar aggregate classification (germline): Likely pathogenic (1 of 4 stars; one submission).

Conditions:
Dilated cardiomyopathy 1G (CMD1G). Identifiers: Orphanet 154, MedGen C1858763, MONDO:0011400, OMIM 604145.
Autosomal recessive limb-girdle muscular dystrophy type 2J (LGMDR10). Also called: Limb-girdle muscular dystrophy, type 2J; MUSCULAR DYSTROPHY, LIMB-GIRDLE, AUTOSOMAL RECESSIVE 10. Identifiers: Orphanet 140922, MedGen C1837342, MONDO:0012127, OMIM 608807.

Submission:

Labcorp Genetics (formerly Invitae), Labcorp
Classification: Likely pathogenic for Dilated cardiomyopathy 1G; Autosomal recessive limb-girdle muscular dystrophy type 2J. Last evaluated: 2021-10-17. Review status: criteria provided, single submitter. Criteria: Invitae Variant Classification Sherloc (09022015). Collection method: clinical testing. Allele origin: germline.
Comment: In summary, the currently available evidence indicates that the variant is pathogenic, but additional data are needed to prove that conclusively. Therefore, this variant has been classified as Likely Pathogenic. This variant is located in the A band of TTN (PMID: 25589632). Truncating variants in this region are significantly overrepresented in patients affected with dilated cardiomyopathy (PMID: 25589632). Truncating variants in this region have also been reported in individuals affected with autosomal recessive centronuclear myopathy (PMID: 23975875). This variant has not been reported in the literature in individuals affected with TTN-related conditions. This variant is not present in population databases (ExAC no frequency). This sequence change creates a premature translational stop signal (p.Ser25603Lysfs*5) in the TTN gene. While this is not anticipated to result in nonsense mediated decay, it is expected to create a truncated TTN protein.

Literature cited by the submitters: PubMed 25589632; PubMed 23975875.